The following is an entry in ClinVar:

ClinVar aggregate classification (germline): Uncertain significance (1 of 4 stars; one submission).

Conditions:
Naxos disease (NXD). Also called: KERATOSIS PALMOPLANTARIS WITH ARRHYTHMOGENIC CARDIOMYOPATHY; MAL DE NAXOS; CARDIOMYOPATHY, ARRHYTHMOGENIC RIGHT VENTRICULAR, WITH SKIN, HAIR, AND NAIL ABNORMALITIES; PALMOPLANTAR KERATODERMA WITH ARRHYTHMOGENIC RIGHT VENTRICULAR CARDIOMYOPATHY AND WOOLLY HAIR; WOOLLY HAIR, PALMOPLANTAR KERATODERMA, AND CARDIAC ABNORMALITIES. Identifiers: Orphanet 34217, MedGen C1832600, MONDO:0011017, OMIM 601214.
Arrhythmogenic right ventricular dysplasia 12. Also called: ARRHYTHMOGENIC RIGHT VENTRICULAR DYSPLASIA, FAMILIAL, 12. Identifiers: MedGen C1969081, MONDO:0012684, OMIM 611528.

Submission:

Labcorp Genetics (formerly Invitae), Labcorp
Classification: Uncertain significance for Arrhythmogenic right ventricular dysplasia 12; Naxos disease. Last evaluated: 2021-12-02. Review status: criteria provided, single submitter. Criteria: Invitae Variant Classification Sherloc (09022015). Collection method: clinical testing. Allele origin: germline.
Comment: Algorithms developed to predict the effect of missense changes on protein structure and function are either unavailable or do not agree on the potential impact of this missense change (SIFT: "Deleterious"; PolyPhen-2: "Benign"; Align-GVGD: "Class C0"). This variant has not been reported in the literature in individuals affected with JUP-related conditions. This variant is not present in population databases (gnomAD no frequency). This sequence change replaces leucine, which is neutral and non-polar, with proline, which is neutral and non-polar, at codon 714 of the JUP protein (p.Leu714Pro). In summary, the available evidence is currently insufficient to determine the role of this variant in disease. Therefore, it has been classified as a Variant of Uncertain Significance.

NM_002230.4(JUP):c.2141T>C (p.Leu714Pro)

Gene: JUP (junction plakoglobin; minus strand). Cytogenetic location: 17q21.2.
Variant type: single nucleotide variant.
Coding change: c.2141T>C on transcript NM_002230.4 (MANE Select); coding-DNA position 2141, T replaced by C.
Protein change: p.Leu714Pro; replaces leucine 714 with proline.
Molecular consequence: missense variant.
Genome position (GRCh38, 1-based): chr17:41,755,841, A>G on the plus strand (T>C on the coding strand, the complement: JUP is on the minus strand). VCF-style: chr17-41755841-A-G. GRCh37 (hg19) VCF-style: chr17-39912093-A-G.
Other names: c.2141T>C, p.Leu714Pro (NM_001352773.2, NM_001352774.2, NM_001352775.2 and 3 more transcripts); short protein forms L714P.
Identifiers: ClinVar variation 1354687 (VCV001354687.6), dbSNP rs2143373822, ClinGen allele CA399490603.
Genomic context (GRCh38, chr17:41,755,841, plus strand): 5'-CTGAGGCCGTCGCTGTAGGTGTCGATGGGGTAGTCTCCATCCATGTCCATGTGCATCTCC[A>G]GCGGGTCAAGGGGCACATCGCTGGAGTACATGGGGCGGTAGGTGGCATCCATGTCTGGGG-3'
Protein context (NP_002221.1, residues 704-724): MYSSDVPLDP[Leu714Pro]EMHMDMDGDY